The following is an entry in ClinVar:

NM_005422.4(TECTA):c.6326G>A (p.Cys2109Tyr)

Genes: TBCEL-TECTA (TBCEL-TECTA readthrough; plus strand), TECTA (tectorin alpha; plus strand). Cytogenetic location: 11q23.3.
Variant type: single nucleotide variant.
Coding change: c.6326G>A on transcript NM_005422.4 (MANE Select); coding-DNA position 6326, G replaced by A.
Protein change: p.Cys2109Tyr; replaces cysteine 2109 with tyrosine.
Molecular consequence: missense variant.
Genome position (GRCh38, 1-based): chr11:121,189,839, G>A. VCF-style: chr11-121189839-G-A. GRCh37 (hg19) VCF-style: chr11-121060548-G-A.
Other names: c.7268G>A, p.Cys2423Tyr (NM_001378761.1); short protein forms C2109Y, C2423Y.
Identifiers: ClinVar variation 1711955 (VCV001711955.3), dbSNP rs2497025161, ClinGen allele CA383010311.
Genomic context (GRCh38, chr11:121,189,839, plus strand): 5'-AGGACAATGGAGGGTGTGAGCAGATTTGCACGAGCCGGGTGGATGGGCCTCTCTGCAGCT[G>A]TGTAACAGGAACCCTGCAGGAGGACGGCAAGAGCTGCAGAGGTAGACACTCTTCTACCCT-3'
Protein context (NP_005413.2, residues 2099-2119): TSRVDGPLCS[Cys2109Tyr]VTGTLQEDGK

ClinVar aggregate classification (germline): Uncertain significance. Review status: criteria provided, multiple submitters, no conflicts (2 of 4 stars). 2 submissions from 2 submitters: Uncertain significance (2). Last evaluated 2025-04-01.

Allele frequency attached by ClinVar (database versions not stated): gnomAD exomes below 0.00001.

Submissions (2):

Labcorp Genetics (formerly Invitae), Labcorp
Classification: Uncertain significance. Last evaluated: 2025-04-01. Review status: criteria provided, single submitter. Criteria: Invitae Variant Classification Sherloc (09022015). Collection method: clinical testing. Allele origin: germline.
Comment: This sequence change replaces cysteine, which is neutral and slightly polar, with tyrosine, which is neutral and polar, at codon 2109 of the TECTA protein (p.Cys2109Tyr). This variant is not present in population databases (gnomAD no frequency). This variant has not been reported in the literature in individuals affected with TECTA-related conditions. ClinVar contains an entry for this variant (Variation ID: 1711955). Invitae Evidence Modeling of protein sequence and biophysical properties (such as structural, functional, and spatial information, amino acid conservation, physicochemical variation, residue mobility, and thermodynamic stability) indicates that this missense variant is expected to disrupt TECTA protein function with a positive predictive value of 80%. In summary, the available evidence is currently insufficient to determine the role of this variant in disease. Therefore, it has been classified as a Variant of Uncertain Significance.

GeneDx
Classification: Uncertain significance. Last evaluated: 2022-04-18. Review status: criteria provided, single submitter. Criteria: GeneDx Variant Classification Process June 2021. Collection method: clinical testing. Allele origin: germline. Affected: yes.
Comment: Not observed at significant frequency in large population cohorts (gnomAD); In silico analysis supports that this missense variant does not alter protein structure/function; Has not been previously published as pathogenic or benign to our knowledge